The following is an entry in ClinVar:

NM_001854.4(COL11A1):c.1998+4T>G

Gene: COL11A1 (collagen type XI alpha 1 chain; minus strand). Cytogenetic location: 1p21.1.
Variant type: single nucleotide variant.
Coding change: c.1998+4T>G on transcript NM_001854.4 (MANE Select); 4 bases into the intron after coding-DNA position 1998, T replaced by G.
Molecular consequence: intron variant.
Genome position (GRCh38, 1-based): chr1:103,003,211, A>C on the plus strand (T>G on the coding strand, the complement: COL11A1 is on the minus strand). VCF-style: chr1-103003211-A-C. GRCh37 (hg19) VCF-style: chr1-103468767-A-C.
Other names: c.1881+4T>G (NM_001190709.2); c.2034+4T>G (NM_080629.3); c.1650+4T>G (NM_080630.4).
Identifiers: ClinVar variation 2056743 (VCV002056743.4), dbSNP rs12136577, ClinGen allele CA2580060755.

ClinVar aggregate classification (germline): Uncertain significance (1 of 4 stars; one submission).

Submission:

Labcorp Genetics (formerly Invitae), Labcorp
Classification: Uncertain significance. Last evaluated: 2024-11-11. Review status: criteria provided, single submitter. Criteria: Invitae Variant Classification Sherloc (09022015). Collection method: clinical testing. Allele origin: germline.
Comment: This sequence change falls in intron 21 of the COL11A1 gene. It does not directly change the encoded amino acid sequence of the COL11A1 protein. It affects a nucleotide within the consensus splice site. This variant is not present in population databases (gnomAD no frequency). This variant has not been reported in the literature in individuals affected with COL11A1-related conditions. ClinVar contains an entry for this variant (Variation ID: 2056743). Variants that disrupt the consensus splice site are a relatively common cause of aberrant splicing (PMID: 17576681, 9536098). Algorithms developed to predict the effect of sequence changes on RNA splicing suggest that this variant may create or strengthen a splice site. In summary, the available evidence is currently insufficient to determine the role of this variant in disease. Therefore, it has been classified as a Variant of Uncertain Significance.

Literature cited by the submitters: PubMed 17576681; PubMed 9536098.